The following is an entry in ClinVar:

NM_000284.4(PDHA1):c.406G>A (p.Ala136Thr)

Gene: PDHA1 (pyruvate dehydrogenase E1 subunit alpha 1; plus strand). Cytogenetic location: Xp22.12.
Variant type: single nucleotide variant.
Coding change: c.406G>A on transcript NM_000284.4 (MANE Select); coding-DNA position 406, G replaced by A.
Protein change: p.Ala136Thr; replaces alanine 136 with threonine.
Molecular consequence: missense variant.
Genome position (GRCh38, 1-based): chrX:19,351,395, G>A. VCF-style: chrX-19351395-G-A. GRCh37 (hg19) VCF-style: chrX-19369513-G-A.
Other names: c.520G>A, p.Ala174Thr (NM_001173454.2); c.427G>A, p.Ala143Thr (NM_001173455.2); c.406G>A, p.Ala136Thr (NM_001173456.2); c.520G>A (NM_001173454.1); short protein forms A136T, A143T, A174T.
Identifiers: ClinVar variation 445760 (VCV000445760.14), dbSNP rs138727886, ClinGen allele CA10363031.
Genomic context (GRCh38, chrX:19,351,395, plus strand): 5'-ACAGCCTACCGGGCTCACGGCTTTACTTTCACCCGGGGCCTTTCCGTCCGAGAAATTCTC[G>A]CAGAGCTTACAGGTTTGCTGTTGATTTACAGAAAGGGGAAATGAGTGGATTAAGTTTTTA-3'
Protein context (NP_000275.1, residues 126-146): TRGLSVREIL[Ala136Thr]ELTGRKGGCA

ClinVar aggregate classification (germline): Conflicting classifications of pathogenicity. Review status: criteria provided, conflicting classifications (1 of 4 stars). 3 submissions from 3 submitters: Uncertain significance (1); Benign (1); Likely benign (1). Last evaluated 2026-01-11.

Conditions:
PDHA1-related disorder. Also called: PDHA1-related condition.
Pyruvate dehydrogenase E1-alpha deficiency (PDHAD). Also called: Ataxia, intermittent, with pyruvate dehydrogenase, or decarboxylase, deficiency; ATAXIA, INTERMITTENT, WITH PYRUVATE DEHYDROGENASE DEFICIENCY; ATAXIA WITH LACTIC ACIDOSIS I; ATAXIA, INTERMITTENT, WITH ABNORMAL PYRUVATE METABOLISM. Identifiers: Orphanet 79243, MedGen C1839413, MONDO:0010717, OMIM 312170.

Allele frequency attached by ClinVar (database versions not stated): ExAC 0.00002; gnomAD exomes 0.00005 and 0.00020; ESP Exome Variant Server 0.00009; gnomAD 0.00011 and 0.00012; TOPMed 0.00011.
gnomAD v4.1: 222 of 1,207,518 alleles (0.018%); highest among the groups gnomAD compares: Non-Finnish European, 0.024%; no homozygotes.

Submissions (3):

Labcorp Genetics (formerly Invitae), Labcorp
Classification: Benign for Pyruvate dehydrogenase E1-alpha deficiency. Last evaluated: 2026-01-11. Review status: criteria provided, single submitter. Criteria: Invitae Variant Classification Sherloc (09022015). Collection method: clinical testing. Allele origin: germline.

PreventionGenetics, part of Exact Sciences
Classification: Likely benign for PDHA1-related condition. Last evaluated: 2025-04-24. Review status: criteria provided, single submitter. Criteria: ACMG Guidelines, 2015. Collection method: clinical testing. Allele origin: germline.
Comment: This variant is classified as likely benign based on ACMG/AMP sequence variant interpretation guidelines (Richards et al. 2015 PMID: 25741868, with internal and published modifications).

Center for Pediatric Genomic Medicine, Children's Mercy Hospital and Clinics
Classification: Uncertain significance. Last evaluated: 2017-08-01. Review status: criteria provided, single submitter. Criteria: ACMG Guidelines, 2015. Collection method: clinical testing. Allele origin: germline.